The following is an entry in ClinVar:

ClinVar aggregate classification (germline): Likely benign. Review status: criteria provided, multiple submitters, no conflicts (2 of 4 stars). 2 submissions from 2 submitters: Likely benign (2). Last evaluated 2026-01-26.

Conditions:
Deficiency of UDPglucose-hexose-1-phosphate uridylyltransferase. Also called: GALT deficiency; Galactosemia, classic; GALACTOSE-1-PHOSPHATE URIDYLYLTRANSFERASE DEFICIENCY; GALACTOSEMIA I; Transferase Deficiency Galactosemia. Identifiers: Orphanet 352, Orphanet 79239, MedGen C0268151, MONDO:0009258, OMIM 230400.

Submissions (2):

Labcorp Genetics (formerly Invitae), Labcorp
Classification: Likely benign for Deficiency of UDPglucose-hexose-1-phosphate uridylyltransferase. Last evaluated: 2026-01-26. Review status: criteria provided, single submitter. Criteria: Invitae Variant Classification Sherloc (09022015). Collection method: clinical testing. Allele origin: germline.

Women's Health and Genetics/Laboratory Corporation of America, LabCorp
Classification: Likely benign. Last evaluated: 2024-12-19. Review status: criteria provided, single submitter. Criteria: LabCorp Variant Classification Summary - May 2015. Collection method: clinical testing. Allele origin: germline.
Comment: Variant summary: GALT c.688-12_688-11delCT alters nucleotides located at a position not widely known to affect splicing. Consensus agreement among computation tools predict no significant impact on normal splicing. However, these predictions have yet to be confirmed by functional studies. The variant allele was found at a frequency of 4.4e-05 in 249950 control chromosomes. This frequency is not significantly higher than estimated for a pathogenic variant in GALT causing Galactosemia (4.4e-05 vs 0.0029), allowing no conclusion about variant significance. To our knowledge, no occurrence of c.688-12_688-11delCT in individuals affected with Galactosemia and no experimental evidence demonstrating its impact on protein function have been reported. ClinVar contains an entry for this variant (Variation ID: 928472). Based on the evidence outlined above, the variant was classified as likely benign.

NM_000155.4(GALT):c.688-12_688-11del

Gene: GALT (galactose-1-phosphate uridylyltransferase; plus strand). Cytogenetic location: 9p13.3.
Variant type: Deletion.
Coding change: c.688-12_688-11del on transcript NM_000155.4 (MANE Select); 12 bases into the intron before coding-DNA position 688 through 11 bases into the intron before coding-DNA position 688, 2 bases deleted (CT; older notation c.688-12_688-11delCT).
Molecular consequence: intron variant.
Genome position (GRCh38, 1-based): chr9:34,648,750-34,648,751, CT deleted; deleting any 2 consecutive bases within chr9:34,648,749-34,648,751 gives the same sequence; the c. name uses the placement nearest the transcript's 3' end. VCF-style (leftmost placement, unchanged base first): chr9-34648748-TTC-T. GRCh37 (hg19) VCF-style: chr9-34648745-TTC-T.
Other names: c.361-12_361-11del (NM_001258332.2); c.688-12_688-11delCT (NM_000155.4).
Identifiers: ClinVar variation 928472 (VCV000928472.5), dbSNP rs777929860, ClinGen allele CA5036198.
Genomic context (GRCh38, chr9:34,648,748, plus strand): 5'-CCCTTGCCTATTTGCTGACCACACTCCGGCTCCTATGTCACCTTGATGACTTCCTATCCA[TTC>T]TGTCTTCCTAGGAACGTCTGGTCCTAACCAGTGAGCACTGGTTAGTACTGGTCCCCTTCT-3'